The following is an entry in ClinVar:

NM_001080449.3(DNA2):c.493G>T (p.Val165Leu)

Gene: DNA2 (DNA replication helicase/nuclease 2; minus strand). Cytogenetic location: 10q21.3.
Variant type: single nucleotide variant.
Coding change: c.493G>T on transcript NM_001080449.3 (MANE Select); coding-DNA position 493, G replaced by T.
Protein change: p.Val165Leu; replaces valine 165 with leucine.
Molecular consequence: missense variant. On other transcripts: non-coding transcript variant (1).
Genome position (GRCh38, 1-based): chr10:68,465,761, C>A on the plus strand (G>T on the coding strand, the complement: DNA2 is on the minus strand). VCF-style: chr10-68465761-C-A. GRCh37 (hg19) VCF-style: chr10-70225518-C-A.
Other names: p.Val165Leu; short protein forms V165L.
Identifiers: ClinVar variation 1329792 (VCV001329792.9), dbSNP rs368117469, ClinGen allele CA5525279.

ClinVar aggregate classification (germline): Uncertain significance. Review status: criteria provided, multiple submitters, no conflicts (2 of 4 stars). 4 submissions from 4 submitters: Uncertain significance (4). Last evaluated 2025-12-23.

Conditions:
Inborn genetic diseases. Identifiers: MedGen C0950123, MeSH D030342.

Allele frequency attached by ClinVar (database versions not stated): gnomAD exomes 0.00006; ExAC 0.00010; ESP Exome Variant Server 0.00017; 1000 Genomes Project 0.00020; gnomAD 0.00025 and 0.00026; TOPMed 0.00025; 1000 Genomes Project 30x 0.00031.
gnomAD v4.1: 63 of 1,607,132 alleles (0.0039%); highest among the groups gnomAD compares: African/African-American, 0.079%; 1 homozygote.

Submissions (4):

Labcorp Genetics (formerly Invitae), Labcorp
Classification: Uncertain significance. Last evaluated: 2025-12-23. Review status: criteria provided, single submitter. Criteria: Invitae Variant Classification Sherloc (09022015). Collection method: clinical testing. Allele origin: germline.
Comment: This sequence change replaces valine, which is neutral and non-polar, with leucine, which is neutral and non-polar, at codon 165 of the DNA2 protein (p.Val165Leu). This variant is present in population databases (rs368117469, gnomAD 0.08%). This variant has not been reported in the literature in individuals affected with DNA2-related conditions. ClinVar contains an entry for this variant (Variation ID: 1329792). Invitae Evidence Modeling of protein sequence and biophysical properties (such as structural, functional, and spatial information, amino acid conservation, physicochemical variation, residue mobility, and thermodynamic stability) indicates that this missense variant is not expected to disrupt DNA2 protein function with a negative predictive value of 80%. In summary, the available evidence is currently insufficient to determine the role of this variant in disease. Therefore, it has been classified as a Variant of Uncertain Significance.

Mayo Clinic Laboratories, Mayo Clinic
Classification: Uncertain significance. Last evaluated: 2025-08-21. Review status: criteria provided, single submitter. Criteria: ACMG Guidelines, 2015. Collection method: clinical testing. Allele origin: germline. Observed: 1 variant allele.
Comment: BP4

Ambry Genetics
Classification: Uncertain significance for Inborn genetic diseases. Last evaluated: 2024-11-26. Review status: criteria provided, single submitter. Criteria: Ambry Variant Classification Scheme 2023. Collection method: clinical testing. Allele origin: germline.

GeneDx
Classification: Uncertain significance. Last evaluated: 2023-05-30. Review status: criteria provided, single submitter. Criteria: GeneDx Variant Classification Process June 2021. Collection method: clinical testing. Allele origin: germline. Affected: yes.
Comment: Has not been previously published as pathogenic or benign to our knowledge; In silico analysis supports that this missense variant does not alter protein structure/function